The following is an entry in ClinVar:

NM_000059.4(BRCA2):c.4495A>C (p.Thr1499Pro)

Gene: BRCA2 (BRCA2 DNA repair associated; plus strand). Cytogenetic location: 13q13.1.
Variant type: single nucleotide variant.
Coding change: c.4495A>C on transcript NM_000059.4 (MANE Select); coding-DNA position 4495, A replaced by C.
Protein change: p.Thr1499Pro; replaces threonine 1499 with proline.
Molecular consequence: missense variant. On other transcripts: non-coding transcript variant (1), intron variant (2).
Genome position (GRCh38, 1-based): chr13:32,338,850, A>C. VCF-style: chr13-32338850-A-C. GRCh37 (hg19) VCF-style: chr13-32912987-A-C.
Other names: c.4495A>C, p.Thr1499Pro (NM_001406719.1, NM_001406720.1, NM_001432077.1); c.1909+5463A>C (NM_001406721.1); c.425-5708A>C (NM_001406722.1); short protein forms T1499P.
Identifiers: ClinVar variation 4628253 (VCV004628253.1).

ClinVar aggregate classification (germline): Uncertain significance (1 of 4 stars; one submission).

Conditions:
Hereditary cancer-predisposing syndrome. Also called: Neoplastic Syndromes, Hereditary; Tumor predisposition; Hereditary Cancer Syndrome; Hereditary neoplastic syndrome. Identifiers: Orphanet 140162, MedGen C0027672, MeSH D009386, MONDO:0015356.

Submission:

Ambry Genetics
Classification: Uncertain significance for Hereditary cancer-predisposing syndrome. Last evaluated: 2025-09-17. Review status: criteria provided, single submitter. Criteria: Ambry Variant Classification Scheme 2023. Collection method: clinical testing. Allele origin: germline.
Comment: The p.T1499P variant (also known as c.4495A>C), located in coding exon 10 of the BRCA2 gene, results from an A to C substitution at nucleotide position 4495. The threonine at codon 1499 is replaced by proline, an amino acid with highly similar properties. This amino acid position is not well conserved in available vertebrate species. In addition, this alteration is predicted to be tolerated by in silico analysis. Based on the available evidence, the clinical significance of this variant remains unclear.